The following is an entry in ClinVar:

ClinVar aggregate classification (germline): Uncertain significance (1 of 4 stars; one submission).

Conditions:
Dyskeratosis congenita, autosomal dominant 6 (DKCA6). Identifiers: Orphanet 3322, MedGen C4225284, MONDO:0014690, OMIM 616553.

gnomAD v4.1: 1 of 1,565,398 alleles (0.000064%); highest among the groups gnomAD compares: Non-Finnish European, 0.000087%; no homozygotes.

Submission:

Labcorp Genetics (formerly Invitae), Labcorp
Classification: Uncertain significance for Dyskeratosis congenita, autosomal dominant 6. Last evaluated: 2025-04-07. Review status: criteria provided, single submitter. Criteria: Invitae Variant Classification Sherloc (09022015). Collection method: clinical testing. Allele origin: germline.
Comment: This sequence change affects codon 362 of the ACD mRNA. It is a 'silent' change, meaning that it does not change the encoded amino acid sequence of the ACD protein. It affects a nucleotide within the consensus splice site. This variant is not present in population databases (gnomAD no frequency). This variant has not been reported in the literature in individuals affected with ACD-related conditions. Algorithms developed to predict the effect of sequence changes on RNA splicing suggest that this variant may disrupt the consensus splice site. In summary, the available evidence is currently insufficient to determine the role of this variant in disease. Therefore, it has been classified as a Variant of Uncertain Significance.

NM_001082486.2(ACD):c.828A>G (p.Ser276=)

Gene: ACD (ACD shelterin complex subunit and telomerase recruitment factor; minus strand). Cytogenetic location: 16q22.1.
Variant type: single nucleotide variant.
Coding change: c.828A>G on transcript NM_001082486.2 (MANE Select); coding-DNA position 828, A replaced by G.
Protein change: p.Ser276=; no amino-acid change (serine 276 retained).
Molecular consequence: synonymous variant. On other transcripts: intron variant (1).
Genome position (GRCh38, 1-based): chr16:67,658,556, T>C on the plus strand (A>G on the coding strand, the complement: ACD is on the minus strand). VCF-style: chr16-67658556-T-C. GRCh37 (hg19) VCF-style: chr16-67692459-T-C.
Other names: c.819A>G, p.Ser273= (NM_022914.3); c.742+164A>G (NM_001410884.1).
Identifiers: ClinVar variation 4751500 (VCV004751500.1).